The following is an entry in ClinVar:

NM_152564.5(VPS13B):c.2923C>A (p.His975Asn)

Gene: VPS13B (vacuolar protein sorting 13 homolog B; plus strand). Cytogenetic location: 8q22.2.
Variant type: single nucleotide variant.
Coding change: c.2923C>A on transcript NM_152564.5 (MANE Select); coding-DNA position 2923, C replaced by A.
Protein change: p.His975Asn; replaces histidine 975 with asparagine.
Molecular consequence: missense variant.
Genome position (GRCh38, 1-based): chr8:99,384,306, C>A. VCF-style: chr8-99384306-C-A. GRCh37 (hg19) VCF-style: chr8-100396534-C-A.
Other names: c.2923C>A, p.His975Asn (NM_017890.5); short protein forms H975N.
Identifiers: ClinVar variation 948816 (VCV000948816.6), dbSNP rs1813997088, ClinGen allele CA371864943.
Genomic context (GRCh38, chr8:99,384,306, plus strand): 5'-AATATTGACCCAATCTTATATACGTGGCTCATCTATCAGCCTCAGAAACGAACAAGTAGA[C>A]ATATGCAACAGGTAAGAGATTTTTAAATAATTTTTTCTGTTAACAAATATTTTTCTTATT-3'
Protein context (NP_689777.3, residues 965-985): IYQPQKRTSR[His975Asn]MQQQPVVAVP

ClinVar aggregate classification (germline): Uncertain significance (1 of 4 stars; one submission).

Conditions:
Cohen syndrome (COH1). Also called: PEPPER SYNDROME; Cutis verticis gyrata, retinitis pigmentosa, and sensorineural deafness. Identifiers: Orphanet 193, MedGen C0265223, MONDO:0008999, OMIM 216550.

Submission:

Labcorp Genetics (formerly Invitae), Labcorp
Classification: Uncertain significance for Cohen syndrome. Last evaluated: 2019-05-31. Review status: criteria provided, single submitter. Criteria: Invitae Variant Classification Sherloc (09022015). Collection method: clinical testing. Allele origin: germline.
Comment: This sequence change replaces histidine with asparagine at codon 975 of the VPS13B protein (p.His975Asn). The histidine residue is weakly conserved and there is a small physicochemical difference between histidine and asparagine. This variant is not present in population databases (ExAC no frequency). This variant has not been reported in the literature in individuals with VPS13B-related conditions. Algorithms developed to predict the effect of missense changes on protein structure and function are either unavailable or do not agree on the potential impact of this missense change (SIFT: "Tolerated"; PolyPhen-2: "Possibly Damaging"; Align-GVGD: "Class C0"). In summary, the available evidence is currently insufficient to determine the role of this variant in disease. Therefore, it has been classified as a Variant of Uncertain Significance.